The following is an entry in ClinVar:

NM_001371928.1(AHDC1):c.2749G>A (p.Ala917Thr)

Gene: AHDC1 (AT-hook DNA binding motif containing 1; minus strand). Cytogenetic location: 1p36.11.
Variant type: single nucleotide variant.
Coding change: c.2749G>A on transcript NM_001371928.1 (MANE Select); coding-DNA position 2749, G replaced by A.
Protein change: p.Ala917Thr; replaces alanine 917 with threonine.
Molecular consequence: missense variant.
Genome position (GRCh38, 1-based): chr1:27,549,367, C>T on the plus strand (G>A on the coding strand, the complement: AHDC1 is on the minus strand). VCF-style: chr1-27549367-C-T. GRCh37 (hg19) VCF-style: chr1-27875878-C-T.
Other names: c.2749G>A (NM_001029882.2); c.2749G>A, p.Ala917Thr (NM_001029882.3); short protein forms A917T.
Identifiers: ClinVar variation 1899798 (VCV001899798.6), dbSNP rs749511928, ClinGen allele CA715705.

ClinVar aggregate classification (germline): Conflicting classifications of pathogenicity. Review status: criteria provided, conflicting classifications (1 of 4 stars). 2 submissions from 2 submitters: Uncertain significance (1); Likely benign (1). Last evaluated 2025-03-03.

Conditions:
Inborn genetic diseases. Identifiers: MedGen C0950123, MeSH D030342.

Allele frequency attached by ClinVar (database versions not stated): gnomAD 0.00001; ExAC 0.00004; gnomAD exomes 0.00002; TOPMed 0.00002.
gnomAD v4.1: 25 of 1,612,832 alleles (0.0016%); highest among the groups gnomAD compares: Admixed American, 0.005%; 1 homozygote.

Submissions (2):

Ambry Genetics
Classification: Likely benign for Inborn genetic diseases. Last evaluated: 2025-03-03. Review status: criteria provided, single submitter. Criteria: Ambry Variant Classification Scheme 2023. Collection method: clinical testing. Allele origin: germline.

Labcorp Genetics (formerly Invitae), Labcorp
Classification: Uncertain significance. Last evaluated: 2023-03-22. Review status: criteria provided, single submitter. Criteria: Invitae Variant Classification Sherloc (09022015). Collection method: clinical testing. Allele origin: germline.
Comment: This variant is present in population databases (rs749511928, gnomAD 0.009%), including at least one homozygous and/or hemizygous individual. This variant has not been reported in the literature in individuals affected with AHDC1-related conditions. ClinVar contains an entry for this variant (Variation ID: 1899798). Algorithms developed to predict the effect of missense changes on protein structure and function output the following: SIFT: "Not Available"; PolyPhen-2: "Benign"; Align-GVGD: "Not Available". The threonine amino acid residue is found in multiple mammalian species, which suggests that this missense change does not adversely affect protein function. In summary, the available evidence is currently insufficient to determine the role of this variant in disease. Therefore, it has been classified as a Variant of Uncertain Significance. This sequence change replaces alanine, which is neutral and non-polar, with threonine, which is neutral and polar, at codon 917 of the AHDC1 protein (p.Ala917Thr).